The following is an entry in ClinVar:

NM_019066.5(MAGEL2):c.3750A>C (p.Ter1250Tyr)

Gene: MAGEL2 (MAGE family member L2; minus strand). Cytogenetic location: 15q11.2.
Variant type: single nucleotide variant.
Coding change: c.3750A>C on transcript NM_019066.5 (MANE Select); coding-DNA position 3750, A replaced by C.
Protein change: p.Ter1250Tyr.
Molecular consequence: stop lost.
Genome position (GRCh38, 1-based): chr15:23,643,993, T>G on the plus strand (A>C on the coding strand, the complement: MAGEL2 is on the minus strand). VCF-style: chr15-23643993-T-G. GRCh37 (hg19) VCF-style: chr15-23889140-T-G.
Identifiers: ClinVar variation 4716593 (VCV004716593.1).

ClinVar aggregate classification (germline): Uncertain significance (1 of 4 stars; one submission).

gnomAD v4.1: 1 of 1,588,400 alleles (0.000063%); highest among the groups gnomAD compares: South Asian, 0.0011%; no homozygotes.

Submission:

Labcorp Genetics (formerly Invitae), Labcorp
Classification: Uncertain significance. Last evaluated: 2025-04-02. Review status: criteria provided, single submitter. Criteria: Invitae Variant Classification Sherloc (09022015). Collection method: clinical testing. Allele origin: germline.
Comment: This sequence change disrupts the translational stop signal of the MAGEL2 mRNA. It is expected to extend the length of the MAGEL2 protein by 1 additional amino acid residues. This variant is present in population databases (rs770776908, gnomAD 0.004%). This variant has not been reported in the literature in individuals affected with MAGEL2-related conditions. Experimental studies and prediction algorithms are not available or were not evaluated, and the functional significance of this variant is currently unknown. In summary, the available evidence is currently insufficient to determine the role of this variant in disease. Therefore, it has been classified as a Variant of Uncertain Significance.